The following is an entry in ClinVar:

NM_001204.7(BMPR2):c.852+5G>A

Gene: BMPR2 (bone morphogenetic protein receptor type 2; plus strand). Cytogenetic location: 2q33.2.
Variant type: single nucleotide variant.
Coding change: c.852+5G>A on transcript NM_001204.7 (MANE Select); 5 bases into the intron after coding-DNA position 852, G replaced by A.
Molecular consequence: intron variant.
Genome position (GRCh38, 1-based): chr2:202,519,057, G>A. VCF-style: chr2-202519057-G-A. GRCh37 (hg19) VCF-style: chr2-203383780-G-A.
Identifiers: ClinVar variation 3776032 (VCV003776032.1).

ClinVar aggregate classification (germline): Uncertain significance (1 of 4 stars; one submission).

Conditions:
Pulmonary hypertension, primary, 1 (PPH1). Also called: Pulmonary hypertension, familial primary, 1, with or without HHT. Identifiers: Orphanet 422, MedGen C4552070, MONDO:0024533, OMIM 178600.

Submission:

3billion
Classification: Uncertain significance for Pulmonary hypertension, primary, 1. Last evaluated: 2023-12-21. Review status: criteria provided, single submitter. Criteria: ACMG Guidelines, 2015. Collection method: clinical testing. Allele origin: germline. Affected: yes.
Comment: The variant is not observed in the gnomAD v2.1.1 dataset. Predicted Consequence/Location: Intron variant In silico tools predict the variant to alter splicing and produce an abnormal transcript [SpliceAI: 0.63 (>=0.2, moderate evidence for spliceogenicity)]. Therefore, this variant is classified as VUS according to the recommendation of ACMG/AMP guideline.